The following is an entry in ClinVar:

NM_003924.4(PHOX2B):c.649G>C (p.Gly217Arg)

Gene: PHOX2B (paired like homeobox 2B; minus strand). Cytogenetic location: 4p13.
Variant type: single nucleotide variant.
Coding change: c.649G>C on transcript NM_003924.4 (MANE Select); coding-DNA position 649, G replaced by C.
Protein change: p.Gly217Arg; replaces glycine 217 with arginine.
Molecular consequence: missense variant.
Genome position (GRCh38, 1-based): chr4:41,746,103, C>G on the plus strand (G>C on the coding strand, the complement: PHOX2B is on the minus strand). VCF-style: chr4-41746103-C-G. GRCh37 (hg19) VCF-style: chr4-41748120-C-G.
Other names: c.649G>C (NM_003924.3); short protein forms G217R.
Identifiers: ClinVar variation 1463362 (VCV001463362.9), dbSNP rs759792321, ClinGen allele CA356737512.

ClinVar aggregate classification (germline): Uncertain significance. Review status: criteria provided, multiple submitters, no conflicts (2 of 4 stars). 2 submissions from 2 submitters: Uncertain significance (2). Last evaluated 2023-03-12.

Conditions:
Haddad syndrome (OHD). Also called: Ondine-Hirschsprung disease. Identifiers: Orphanet 99803, MedGen C1859049, MONDO:0020493.
Hereditary cancer-predisposing syndrome. Also called: Tumor predisposition; Hereditary neoplastic syndrome; Hereditary Cancer Syndrome; Neoplastic Syndromes, Hereditary. Identifiers: Orphanet 140162, MedGen C0027672, MeSH D009386, MONDO:0015356.

Submissions (2):

Ambry Genetics
Classification: Uncertain significance for Hereditary cancer-predisposing syndrome. Last evaluated: 2023-03-12. Review status: criteria provided, single submitter. Criteria: Ambry Variant Classification Scheme 2023. Collection method: clinical testing. Allele origin: germline.
Comment: The p.G217R variant (also known as c.649G>C), located in coding exon 3 of the PHOX2B gene, results from a G to C substitution at nucleotide position 649. The glycine at codon 217 is replaced by arginine, an amino acid with dissimilar properties. This amino acid position is conserved. In addition, the in silico prediction for this alteration is inconclusive. Since supporting evidence is limited at this time, the clinical significance of this alteration remains unclear.

Labcorp Genetics (formerly Invitae), Labcorp
Classification: Uncertain significance for Haddad syndrome. Last evaluated: 2021-06-05. Review status: criteria provided, single submitter. Criteria: Invitae Variant Classification Sherloc (09022015). Collection method: clinical testing. Allele origin: germline.
Comment: Algorithms developed to predict the effect of missense changes on protein structure and function are either unavailable or do not agree on the potential impact of this missense change (SIFT: "Deleterious"; PolyPhen-2: "Not Available"; Align-GVGD: "Class C15"). In summary, the available evidence is currently insufficient to determine the role of this variant in disease. Therefore, it has been classified as a Variant of Uncertain Significance. This variant has not been reported in the literature in individuals with PHOX2B-related conditions. This sequence change replaces glycine with arginine at codon 217 of the PHOX2B protein (p.Gly217Arg). The glycine residue is highly conserved and there is a moderate physicochemical difference between glycine and arginine. This variant is not present in population databases (ExAC no frequency).